The following is an entry in ClinVar:

NM_001242896.3(DEPDC5):c.1436C>T (p.Thr479Ile)

Gene: DEPDC5 (DEP domain containing 5, GATOR1 subcomplex subunit; plus strand). Cytogenetic location: 22q12.3.
Variant type: single nucleotide variant.
Coding change: c.1436C>T on transcript NM_001242896.3 (MANE Select); coding-DNA position 1436, C replaced by T.
Protein change: p.Thr479Ile; replaces threonine 479 with isoleucine.
Molecular consequence: missense variant. On other transcripts: non-coding transcript variant (5).
Genome position (GRCh38, 1-based): chr22:31,810,632, C>T. VCF-style: chr22-31810632-C-T. GRCh37 (hg19) VCF-style: chr22-32206618-C-T.
Other names: c.1436C>T, p.Thr479Ile (NM_001007188.4, NM_001136029.4, NM_001242897.2 and 7 more transcripts); c.1352C>T, p.Thr451Ile (NM_001369901.1, NM_001369902.1); short protein forms T479I, T451I.
Identifiers: ClinVar variation 644211 (VCV000644211.11), dbSNP rs1602054541, ClinGen allele CA411277050.

ClinVar aggregate classification (germline): Uncertain significance. Review status: criteria provided, multiple submitters, no conflicts (2 of 4 stars). 2 submissions from 2 submitters: Uncertain significance (2). Last evaluated 2026-07-01.

Conditions:
Familial focal epilepsy with variable foci (FPEVF). Identifiers: Orphanet 98820, MedGen C1858477, MONDO:0020310.

Allele frequency attached by ClinVar (database versions not stated): gnomAD exomes below 0.00001.
gnomAD v4.1: 1 of 1,614,180 alleles (0.000062%); highest among the groups gnomAD compares: Non-Finnish European, 0.000085%; no homozygotes.

Submissions (2):

CeGaT Center for Human Genetics Tuebingen
Classification: Uncertain significance. Last evaluated: 2026-07-01. Review status: criteria provided, single submitter. Criteria: CeGaT Center For Human Genetics Tuebingen Variant Classification Criteria Version 2. Collection method: clinical testing. Allele origin: germline. Affected: yes. Observed: 1 variant allele.
Comment: DEPDC5: PM2, BP4

Labcorp Genetics (formerly Invitae), Labcorp
Classification: Uncertain significance for Familial focal epilepsy with variable foci. Last evaluated: 2023-03-12. Review status: criteria provided, single submitter. Criteria: Invitae Variant Classification Sherloc (09022015). Collection method: clinical testing. Allele origin: germline.
Comment: ClinVar contains an entry for this variant (Variation ID: 644211). In summary, the available evidence is currently insufficient to determine the role of this variant in disease. Therefore, it has been classified as a Variant of Uncertain Significance. Experimental studies and prediction algorithms are not available or were not evaluated, and the functional significance of this variant is currently unknown. This variant has not been reported in the literature in individuals affected with DEPDC5-related conditions. This variant is not present in population databases (gnomAD no frequency). This sequence change replaces threonine, which is neutral and polar, with isoleucine, which is neutral and non-polar, at codon 479 of the DEPDC5 protein (p.Thr479Ile).